The following is an entry in ClinVar:

ClinVar aggregate classification (germline): Benign. Review status: criteria provided, multiple submitters, no conflicts (2 of 4 stars). 3 submissions from 3 submitters: Benign (2). 1 of the submissions does not count toward it. Last evaluated 2026-01-26.

Conditions:
SAMD11-related disorder. Also called: SAMD11-related condition.

Allele frequency attached by ClinVar (database versions not stated): 1000 Genomes Project 0.00519; gnomAD 0.00881 and 0.00915; gnomAD exomes 0.01229 and 0.00865; ESP Exome Variant Server 0.00716; 1000 Genomes Project 30x 0.00547; TOPMed 0.00954; ExAC 0.01839.

Submissions (3):

Labcorp Genetics (formerly Invitae), Labcorp
Classification: Benign. Last evaluated: 2026-01-26. Review status: criteria provided, single submitter. Criteria: Invitae Variant Classification Sherloc (09022015). Collection method: clinical testing. Allele origin: germline.

Breakthrough Genomics
Classification: Benign. Review status: criteria provided, single submitter. Criteria: ACMG Guidelines, 2015. Collection method: not provided. Allele origin: germline. Inheritance: Unknown mechanism. Affected: yes.

PreventionGenetics, part of Exact Sciences
Classification: Benign for SAMD11-related condition. Last evaluated: 2019-03-06. Review status: no assertion criteria provided. Collection method: clinical testing. Allele origin: germline. Not counted in ClinVar's aggregate classification.
Comment: This variant is classified as benign based on ACMG/AMP sequence variant interpretation guidelines (Richards et al. 2015 PMID: 25741868, with internal and published modifications).

NM_001385641.1(SAMD11):c.1946C>T (p.Pro649Leu)

Gene: SAMD11 (sterile alpha motif domain containing 11; plus strand). Cytogenetic location: 1p36.33.
Variant type: single nucleotide variant.
Coding change: c.1946C>T on transcript NM_001385641.1 (MANE Select); coding-DNA position 1946, C replaced by T.
Protein change: p.Pro649Leu; replaces proline 649 with leucine.
Molecular consequence: missense variant.
Genome position (GRCh38, 1-based): chr1:942,951, C>T. VCF-style: chr1-942951-C-T. GRCh37 (hg19) VCF-style: chr1-878331-C-T.
Other names: c.1949C>T, p.Pro650Leu (NM_001385640.1); c.1457C>T, p.Pro486Leu (NM_152486.4); c.1457C>T (NM_152486.2); short protein forms P486L, P649L, P650L.
Identifiers: ClinVar variation 1170505 (VCV001170505.10), dbSNP rs148327885, ClinGen allele CA503034.